The following is an entry in ClinVar:

ClinVar aggregate classification (germline): Uncertain significance (1 of 4 stars; one submission).

Allele frequency attached by ClinVar (database versions not stated): gnomAD exomes below 0.00001.
gnomAD v4.1: 1 of 1,595,448 alleles (0.000063%); highest among the groups gnomAD compares: East Asian, 0.0022%; no homozygotes.

Submission:

Labcorp Genetics (formerly Invitae), Labcorp
Classification: Uncertain significance. Last evaluated: 2024-12-02. Review status: criteria provided, single submitter. Criteria: Invitae Variant Classification Sherloc (09022015). Collection method: clinical testing. Allele origin: germline.
Comment: This sequence change falls in intron 14 of the EFL1 gene. It does not directly change the encoded amino acid sequence of the EFL1 protein. This variant is not present in population databases (gnomAD no frequency). This variant has not been reported in the literature in individuals affected with EFL1-related conditions. ClinVar contains an entry for this variant (Variation ID: 1470935). Algorithms developed to predict the effect of sequence changes on RNA splicing suggest that this variant may create or strengthen a splice site. In summary, the available evidence is currently insufficient to determine the role of this variant in disease. Therefore, it has been classified as a Variant of Uncertain Significance.

NM_024580.6(EFL1):c.1611+13A>G

Gene: EFL1 (elongation factor like GTPase 1; minus strand). Cytogenetic location: 15q25.2.
Variant type: single nucleotide variant.
Coding change: c.1611+13A>G on transcript NM_024580.6 (MANE Select); 13 bases into the intron after coding-DNA position 1611, A replaced by G.
Molecular consequence: intron variant.
Genome position (GRCh38, 1-based): chr15:82,219,639, T>C on the plus strand (A>G on the coding strand, the complement: EFL1 is on the minus strand). VCF-style: chr15-82219639-T-C. GRCh37 (hg19) VCF-style: chr15-82511980-T-C.
Other names: c.1458+13A>G (NM_001040610.3); c.822+13A>G (NM_001322844.2); c.1611+13A>G (NM_001322845.2).
Identifiers: ClinVar variation 1470935 (VCV001470935.8), dbSNP rs2141302326, ClinGen allele CA2573151221.
Genomic context (GRCh38, chr15:82,219,639, plus strand): 5'-AGTCCCAACAAAATGTGAAAAGATATCAGACCCTCGAGAAACAATATATAAATATTTTAC[T>C]TTCAATTCTTACCCTTCGTAAAAACTCAAGAGGACTGTATTTGGGCCCCAAGACAAAAAT-3'